The following is an entry in ClinVar:

ClinVar aggregate classification (germline): Uncertain significance (1 of 4 stars; one submission).

Conditions:
Congenital myasthenic syndrome 8. Also called: Myasthenic syndrome, congenital, 8, with pre- and postsynaptic defects; MYASTHENIC SYNDROME, CONGENITAL, DUE TO AGRIN DEFICIENCY. Identifiers: Orphanet 590, MedGen C3808739, MONDO:0014052, OMIM 615120.

Submission:

Labcorp Genetics (formerly Invitae), Labcorp
Classification: Uncertain significance for Congenital myasthenic syndrome 8. Last evaluated: 2022-01-13. Review status: criteria provided, single submitter. Criteria: Invitae Variant Classification Sherloc (09022015). Collection method: clinical testing. Allele origin: germline.
Comment: This variant, c.772_783del, results in the deletion of 4 amino acid(s) of the AGRN protein (p.Thr258_Arg261del), but otherwise preserves the integrity of the reading frame. This variant is not present in population databases (gnomAD no frequency). This variant has not been reported in the literature in individuals affected with AGRN-related conditions. Experimental studies and prediction algorithms are not available or were not evaluated, and the functional significance of this variant is currently unknown. In summary, the available evidence is currently insufficient to determine the role of this variant in disease. Therefore, it has been classified as a Variant of Uncertain Significance.

NM_198576.4(AGRN):c.772_783del (p.Thr258_Arg261del)

Gene: AGRN (agrin; plus strand). Cytogenetic location: 1p36.33.
Variant type: Deletion.
Coding change: c.772_783del on transcript NM_198576.4 (MANE Select); coding-DNA positions 772 to 783, 12 bases deleted (ACCTGTGCGCGC).
Protein change: p.Thr258_Arg261del.
Molecular consequence: inframe deletion.
Genome position (GRCh38, 1-based): chr1:1,041,217-1,041,228, ACCTGTGCGCGC deleted; deleting any 12 consecutive bases within chr1:1,041,215-1,041,228 gives the same sequence; the c. name uses the placement nearest the transcript's 3' end. VCF-style (leftmost placement, unchanged base first): chr1-1041214-AGCACCTGTGCGC-A. GRCh37 (hg19) VCF-style: chr1-976594-AGCACCTGTGCGC-A.
Other names: c.772_783del, p.Thr258_Arg261del (NM_001305275.2); c.457_468del, p.Thr153_Arg156del (NM_001364727.2).
Identifiers: ClinVar variation 2075820 (VCV002075820.4), dbSNP rs2522660683, ClinGen allele CA2580060445.